The following is an entry in ClinVar:

NM_000051.4(ATM):c.1027G>T (p.Glu343Ter)

Gene: ATM (ATM serine/threonine kinase; plus strand). Cytogenetic location: 11q22.3.
Variant type: single nucleotide variant.
Coding change: c.1027G>T on transcript NM_000051.4 (MANE Select); coding-DNA position 1027, G replaced by T.
Protein change: p.Glu343Ter; replaces glutamic acid 343 with a stop codon.
Molecular consequence: nonsense.
Genome position (GRCh38, 1-based): chr11:108,247,089, G>T. VCF-style: chr11-108247089-G-T. GRCh37 (hg19) VCF-style: chr11-108117816-G-T.
Other names: c.1027G>T, p.Glu343Ter (NM_001351834.2); short protein forms E343*.
Identifiers: ClinVar variation 1769978 (VCV001769978.2), dbSNP rs2135268427, ClinGen allele CA382531626.

ClinVar aggregate classification (germline): Pathogenic. Review status: criteria provided, multiple submitters, no conflicts (2 of 4 stars). 2 submissions from 2 submitters: Pathogenic (2). Last evaluated 2024-01-11.

Conditions:
Hereditary cancer-predisposing syndrome. Also called: Hereditary Cancer Syndrome; Hereditary neoplastic syndrome; Neoplastic Syndromes, Hereditary; Tumor predisposition. Identifiers: Orphanet 140162, MedGen C0027672, MeSH D009386, MONDO:0015356.
Familial cancer of breast. Also called: BREAST CANCER, FAMILIAL; hereditary breast carcinoma; Hereditary breast cancer. Identifiers: Orphanet 227535, MedGen C0346153, MONDO:0016419, OMIM 114480. Disease mechanism: loss of function.

Submissions (2):

Myriad Genetics, Inc.
Classification: Pathogenic for Familial cancer of breast. Last evaluated: 2024-01-11. Review status: criteria provided, single submitter. Criteria: Myriad Autosomal Dominant, Autosomal Recessive and X-Linked Classification Criteria (2023). Collection method: clinical testing. Allele origin: unknown.
Comment: This variant is considered pathogenic. This variant creates a termination codon and is predicted to result in premature protein truncation.

Ambry Genetics
Classification: Pathogenic for Hereditary cancer-predisposing syndrome. Last evaluated: 2021-02-03. Review status: criteria provided, single submitter. Criteria: Ambry Variant Classification Scheme 2023. Collection method: clinical testing. Allele origin: germline.
Comment: The p.E343* pathogenic mutation (also known as c.1027G>T), located in coding exon 7 of the ATM gene, results from a G to T substitution at nucleotide position 1027. This changes the amino acid from a glutamic acid to a stop codon within coding exon 7. This variant was not reported in population-based cohorts in the Genome Aggregation Database (gnomAD). This alteration is expected to result in loss of function by premature protein truncation or nonsense-mediated mRNA decay. As such, this alteration is interpreted as a disease-causing mutation.